The following is an entry in ClinVar:

ClinVar aggregate classification (germline): Benign. Review status: criteria provided, multiple submitters, no conflicts (2 of 4 stars). 9 submissions from 9 submitters: Benign (7). 2 of the submissions do not count toward it. Last evaluated 2026-05-09.

Conditions:
Short stature-pituitary and cerebellar defects-small sella turcica syndrome (CPHD4). Also called: Pituitary hormone deficiency, combined with or without cerebellar defects; Short stature, pituitary and cerebellar defects and small sella turcica. Identifiers: Orphanet 85442, MedGen C2678408, MONDO:0009880, OMIM 262700.

Allele frequency attached by ClinVar (database versions not stated): ExAC 0.02181; 1000 Genomes Project 30x 0.04419; gnomAD 0.03923 and 0.04109; TOPMed 0.04024; ESP Exome Variant Server 0.04198; 1000 Genomes Project 0.04273.
gnomAD v4.1: 26,228 of 1,613,830 alleles (1.6%); highest among the groups gnomAD compares: African/African-American, 10%; 551 homozygotes.

Submissions (9):

Women's Health and Genetics/Laboratory Corporation of America, LabCorp
Classification: Benign. Last evaluated: 2026-05-09. Review status: criteria provided, single submitter. Criteria: LabCorp Variant Classification Summary - May 2015. Collection method: clinical testing. Allele origin: germline.

Labcorp Genetics (formerly Invitae), Labcorp
Classification: Benign. Last evaluated: 2026-01-27. Review status: criteria provided, single submitter. Criteria: Invitae Variant Classification Sherloc (09022015). Collection method: clinical testing. Allele origin: germline.

GeneDx
Classification: Benign. Last evaluated: 2021-06-10. Review status: criteria provided, single submitter. Criteria: GeneDx Variant Classification Process June 2021. Collection method: clinical testing. Allele origin: germline. Affected: yes.

Illumina Laboratory Services, Illumina
Classification: Benign for Short stature-pituitary and cerebellar defects-small sella turcica syndrome. Last evaluated: 2018-01-12. Review status: criteria provided, single submitter. Criteria: ICSL Variant Classification Criteria 13 December 2019. Collection method: clinical testing. Allele origin: germline.
Comment: This variant was observed in the ICSL laboratory as part of a predisposition screen in an ostensibly healthy population. It had not been previously curated by ICSL or reported in the Human Gene Mutation Database (HGMD: prior to June 1st, 2018), and was therefore a candidate for classification through an automated scoring system. Utilizing variant allele frequency, disease prevalence and penetrance estimates, and inheritance mode, an automated score was calculated to assess if this variant is too frequent to cause the disease. Based on the score and internal cut-off values, a variant classified as benign is not then subjected to further curation. The score for this variant resulted in a classification of benign for this disease.

Eurofins Ntd Llc (ga)
Classification: Benign. Last evaluated: 2017-04-21. Review status: criteria provided, single submitter. Criteria: EGL Classification Definitions 2015. Collection method: clinical testing. Allele origin: germline.

Breakthrough Genomics
Classification: Benign. Review status: criteria provided, single submitter. Criteria: ACMG Guidelines, 2015. Collection method: not provided. Allele origin: germline. Inheritance: Autosomal dominant inheritance. Affected: yes.

PreventionGenetics, part of Exact Sciences
Classification: Benign. Review status: criteria provided, single submitter. Criteria: ACMG Guidelines, 2015. Collection method: clinical testing. Allele origin: germline.

Clinical Genetics, Academic Medical Center
Classification: Benign. Review status: no assertion criteria provided. Collection method: clinical testing. Allele origin: germline. Affected: yes. Study: VKGL Data-share Consensus. Not counted in ClinVar's aggregate classification.

Laboratory of Diagnostic Genome Analysis, Leiden University Medical Center (LUMC)
Classification: Likely benign. Review status: no assertion criteria provided. Collection method: clinical testing. Allele origin: germline. Affected: yes. Study: VKGL Data-share Consensus. Not counted in ClinVar's aggregate classification.

NM_033343.4(LHX4):c.450C>T (p.Asn150=)

Gene: LHX4 (LIM homeobox 4; plus strand). Cytogenetic location: 1q25.2.
Variant type: single nucleotide variant.
Coding change: c.450C>T on transcript NM_033343.4 (MANE Select); coding-DNA position 450, C replaced by T.
Protein change: p.Asn150=; no amino-acid change (asparagine 150 retained).
Molecular consequence: synonymous variant.
Genome position (GRCh38, 1-based): chr1:180,266,593, C>T. VCF-style: chr1-180266593-C-T. GRCh37 (hg19) VCF-style: chr1-180235728-C-T.
Identifiers: ClinVar variation 262223 (VCV000262223.23), dbSNP rs16855642, ClinGen allele CA1271882.